The following is an entry in ClinVar:

NM_024120.5(NDUFAF5):c.42_54del (p.Trp15fs)

Genes: NDUFAF5 (NADH:ubiquinone oxidoreductase complex assembly factor 5; plus strand), LOC130065433 (ATAC-STARR-seq lymphoblastoid active region 17552; plus strand). Cytogenetic location: 20p12.1.
Variant type: Deletion.
Coding change: c.42_54del on transcript NM_024120.5 (MANE Select); coding-DNA positions 42 to 54, 13 bases deleted (TTGGGCGGCGAGG).
Protein change: p.Trp15fs; shifts the reading frame from tryptophan 15.
Molecular consequence: frameshift variant. On other transcripts: 5 prime UTR variant (3), non-coding transcript variant (7).
Genome position (GRCh38, 1-based): chr20:13,785,110-13,785,122, TTGGGCGGCGAGG deleted. VCF-style (leftmost placement, unchanged base first): chr20-13785109-CTTGGGCGGCGAGG-C. GRCh37 (hg19) VCF-style: chr20-13765755-CTTGGGCGGCGAGG-C.
Other names: c.42_54del, p.Trp15fs (NM_001039375.3, NM_001352408.2); c.-326_-314del (NM_001352403.2); c.-540_-528del (NM_001352406.2); c.-654_-642del (NM_001352407.2); c.42_54delTTGGGCGGCGAGG (NM_024120.4); short protein forms W15fs.
Identifiers: ClinVar variation 2121974 (VCV002121974.5), dbSNP rs2516091356, ClinGen allele CA2580097872.
Genomic context (GRCh38, chr20:13,785,109, plus strand): 5'-AATTGGGGTCGCAGCTGGAGATGCTGCGGCCGGCAGGGCTCTGGCGCTTATGTCGGCGAC[CTTGGGCGGCGAGG>C]GTCCCAGCGGAGAATCTTGGCCGTAGGGAAGTCACCTCTGGTGTCTCTCCCCGCGGTAGC-3'

ClinVar aggregate classification (germline): Pathogenic/Likely pathogenic. Review status: criteria provided, multiple submitters, no conflicts (2 of 4 stars). 2 submissions from 2 submitters: Pathogenic (1); Likely pathogenic (1). Last evaluated 2024-03-06.

Conditions:
Mitochondrial complex I deficiency. Also called: NADH:Q(1) OXIDOREDUCTASE DEFICIENCY. Identifiers: Orphanet 2609, MedGen C1838979, MeSH C537475, MONDO:0100133.

Allele frequency attached by ClinVar (database versions not stated): gnomAD exomes below 0.00001.

Submissions (2):

Natera, Inc.
Classification: Likely pathogenic for Mitochondrial complex I deficiency. Last evaluated: 2024-03-06. Review status: criteria provided, single submitter. Criteria: Natera Variant Classification Schema (03/2026). Collection method: clinical testing. Allele origin: germline.
Comment: The c.42_54delTTGGGCGGCGAGG variant in NDUFAF5 is a frameshift variant predicted to shift the reading frame beginning at codon 15 and leads to a stop codon 26 codons downstream. This variant is expected to result in nonsense mediated decay, truncation, or a dysfunctional protein product. This variant is rare in the general population with a frequency below the threshold expected for the associated phenotype(s). Given the available evidence, this variant is classified as Likely Pathogenic.

Labcorp Genetics (formerly Invitae), Labcorp
Classification: Pathogenic. Last evaluated: 2022-04-06. Review status: criteria provided, single submitter. Criteria: Invitae Variant Classification Sherloc (09022015). Collection method: clinical testing. Allele origin: germline.
Comment: This variant is not present in population databases (gnomAD no frequency). For these reasons, this variant has been classified as Pathogenic. This variant has not been reported in the literature in individuals affected with NDUFAF5-related conditions. This sequence change creates a premature translational stop signal (p.Trp15Serfs*26) in the NDUFAF5 gene. It is expected to result in an absent or disrupted protein product. Loss-of-function variants in NDUFAF5 are known to be pathogenic (PMID: 26275793, 30473481, 32918965).

Literature cited by the submitters: PubMed 26275793 (cited by Labcorp Genetics (formerly Invitae), Labcorp); PubMed 30473481 (cited by Labcorp Genetics (formerly Invitae), Labcorp); PubMed 32918965 (cited by Labcorp Genetics (formerly Invitae), Labcorp).